The following is an entry in ClinVar:

NC_000007.13:g.(?_70163535)_(70163626_?)dup

Gene: AUTS2 (activator of transcription and developmental regulator AUTS2; plus strand). Cytogenetic location: 7q11.22.
Variant type: Duplication.
Identifiers: ClinVar variation 3245916 (VCV003245916.1).

ClinVar aggregate classification (germline): Likely pathogenic (1 of 4 stars; one submission).

Submission:

Labcorp Genetics (formerly Invitae), Labcorp
Classification: Likely pathogenic. Last evaluated: 2024-01-24. Review status: criteria provided, single submitter. Criteria: Invitae Variant Classification Sherloc (09022015). Collection method: clinical testing. Allele origin: unknown.
Comment: This variant results in a copy number gain of the genomic region encompassing exon(s) 6 of the AUTS2 gene. While the exact position of this variant cannot be determined from the data, sub-genic copy number gains are generally in tandem (PMID: 25640679). This variant is predicted to be out-of-frame, and may result in an absent or disrupted protein product. Loss-of-function variants in AUTS2 are known to be pathogenic (PMID: 25205402, 27075013). This variant has not been reported in the literature in individuals affected with AUTS2-related conditions. In summary, the currently available evidence indicates that the variant is pathogenic, but additional data are needed to prove that conclusively. Therefore, this variant has been classified as Likely Pathogenic.

Literature cited by the submitters: PubMed 25640679; PubMed 25205402; PubMed 27075013.